The following is an entry in ClinVar:

NM_001080517.3(SETD5):c.415T>G (p.Trp139Gly)

Gene: SETD5 (SET domain containing 5; plus strand). Cytogenetic location: 3p25.3.
Variant type: single nucleotide variant.
Coding change: c.415T>G on transcript NM_001080517.3 (MANE Select); coding-DNA position 415, T replaced by G.
Protein change: p.Trp139Gly; replaces tryptophan 139 with glycine.
Molecular consequence: missense variant.
Genome position (GRCh38, 1-based): chr3:9,435,754, T>G. VCF-style: chr3-9435754-T-G. GRCh37 (hg19) VCF-style: chr3-9477438-T-G.
Other names: c.82T>G, p.Trp28Gly (NM_001292043.2, NM_001349451.2); short protein forms W139G, W28G.
Identifiers: ClinVar variation 1306651 (VCV001306651.3), dbSNP rs2125111006, ClinGen allele CA351683996.
Genomic context (GRCh38, chr3:9,435,754, plus strand): 5'-TTAGTACCTGAACTATGAAATCATCATTTTTCAGGTGGGGATAGCAGTGCAACAGAAAGC[T>G]GGGATGAGGAGCTTTCTCCTTCCACTGTGTTGTATACAGCAACACAGCACACACCTACAA-3'
Protein context (NP_001073986.1, residues 129-149): SGGDSSATES[Trp139Gly]DEELSPSTVL

ClinVar aggregate classification (germline): Uncertain significance (1 of 4 stars; one submission).

Allele frequency attached by ClinVar (database versions not stated): gnomAD exomes below 0.00001.
gnomAD v4.1: 2 of 1,600,692 alleles (0.00012%); highest among the groups gnomAD compares: Non-Finnish European, 0.00017%; no homozygotes.

Submission:

GeneDx
Classification: Uncertain significance. Last evaluated: 2025-10-20. Review status: criteria provided, single submitter. Criteria: GeneDx Variant Classification Process June 2021. Collection method: clinical testing. Allele origin: germline. Affected: yes.
Comment: Not observed at significant frequency in large population cohorts (gnomAD); In silico analysis suggests that this missense variant does not alter protein structure/function; Has not been previously published as pathogenic or benign to our knowledge